The following is an entry in ClinVar:

NM_001270.4(CHD1):c.286G>A (p.Val96Ile)

Gene: CHD1 (chromodomain helicase DNA binding protein 1; minus strand). Cytogenetic location: 5q21.1.
Variant type: single nucleotide variant.
Coding change: c.286G>A on transcript NM_001270.4 (MANE Select); coding-DNA position 286, G replaced by A.
Protein change: p.Val96Ile; replaces valine 96 with isoleucine.
Molecular consequence: missense variant. On other transcripts: non-coding transcript variant (2).
Genome position (GRCh38, 1-based): chr5:98,903,878, C>T on the plus strand (G>A on the coding strand, the complement: CHD1 is on the minus strand). VCF-style: chr5-98903878-C-T. GRCh37 (hg19) VCF-style: chr5-98239582-C-T.
Other names: c.286G>A (NM_001270.2); c.286G>A, p.Val96Ile (NM_001364113.3, NM_001376194.2); short protein forms V96I.
Identifiers: ClinVar variation 2655624 (VCV002655624.25), dbSNP rs34128229, ClinGen allele CA3356634.

ClinVar aggregate classification (germline): Benign. Review status: criteria provided, single submitter (1 of 4 stars). 2 submissions from 2 submitters: Benign (1). 1 of the submissions does not count toward it. Last evaluated 2025-01-01.

Conditions:
CHD1-related disorder. Also called: CHD1-related condition.

Allele frequency attached by ClinVar (database versions not stated): 1000 Genomes Project 30x 0.00016; 1000 Genomes Project 0.00020; ESP Exome Variant Server 0.00031; TOPMed 0.00041; gnomAD exomes 0.00104; gnomAD 0.00118; ExAC 0.00220.
gnomAD v4.1: 1,691 of 1,610,438 alleles (0.11%); highest among the groups gnomAD compares: Non-Finnish European, 0.073%; 6 homozygotes.

Submissions (2):

CeGaT Center for Human Genetics Tuebingen
Classification: Benign. Last evaluated: 2025-01-01. Review status: criteria provided, single submitter. Criteria: CeGaT Center For Human Genetics Tuebingen Variant Classification Criteria Version 2. Collection method: clinical testing. Allele origin: germline. Affected: yes. Observed: 3 variant alleles.
Comment: CHD1: PP2, BS1, BS2

PreventionGenetics, part of Exact Sciences
Classification: Benign for CHD1-related condition. Last evaluated: 2019-06-24. Review status: no assertion criteria provided. Collection method: clinical testing. Allele origin: germline. Not counted in ClinVar's aggregate classification.
Comment: This variant is classified as benign based on ACMG/AMP sequence variant interpretation guidelines (Richards et al. 2015 PMID: 25741868, with internal and published modifications).